The following is an entry in ClinVar:

ClinVar aggregate classification (germline): Uncertain significance (1 of 4 stars; one submission).

Submission:

GeneDx
Classification: Uncertain significance. Last evaluated: 2024-12-17. Review status: criteria provided, single submitter. Criteria: GeneDx Variant Classification Process June 2021. Collection method: clinical testing. Allele origin: germline. Affected: yes.
Comment: Not observed at significant frequency in large population cohorts (gnomAD); Located in the critical Dimerization region (PMID: 18003757); In silico analysis indicates that this missense variant does not alter protein structure/function; Has not been previously published as pathogenic or benign to our knowledge; This variant is associated with the following publications: (PMID: 18003757, 31604004, 38933241)

NM_000545.8(HNF1A):c.67A>G (p.Lys23Glu)

Gene: HNF1A (HNF1 homeobox A; plus strand). Cytogenetic location: 12q24.31.
Variant type: single nucleotide variant.
Coding change: c.67A>G on transcript NM_000545.8 (MANE Select); coding-DNA position 67, A replaced by G.
Protein change: p.Lys23Glu; replaces lysine 23 with glutamic acid.
Molecular consequence: missense variant.
Genome position (GRCh38, 1-based): chr12:120,978,835, A>G. VCF-style: chr12-120978835-A-G. GRCh37 (hg19) VCF-style: chr12-121416638-A-G.
Other names: c.67A>G, p.Lys23Glu (NM_001306179.2, NM_001406915.1); short protein forms K23E.
Identifiers: ClinVar variation 3906743 (VCV003906743.1).